The following is an entry in ClinVar:

NM_003383.5(VLDLR):c.2089C>T (p.Leu697Phe)

Gene: VLDLR (very low density lipoprotein receptor; plus strand). Cytogenetic location: 9p24.2.
Variant type: single nucleotide variant.
Coding change: c.2089C>T on transcript NM_003383.5 (MANE Select); coding-DNA position 2089, C replaced by T.
Protein change: p.Leu697Phe; replaces leucine 697 with phenylalanine.
Molecular consequence: missense variant.
Genome position (GRCh38, 1-based): chr9:2,648,795, C>T. VCF-style: chr9-2648795-C-T. GRCh37 (hg19) VCF-style: chr9-2648795-C-T.
Other names: c.2089C>T, p.Leu697Phe (NM_001018056.3); c.1966C>T, p.Leu656Phe (NM_001322225.2, NM_001322226.2); short protein forms L656F, L697F.
Identifiers: ClinVar variation 1032125 (VCV001032125.1), dbSNP rs1818184738, ClinGen allele CA372799461.
Genomic context (GRCh38, chr9:2,648,795, plus strand): 5'-GAGCTAGCCACTCTAGTCAACAACCTGAATGATGCCCAAGACATCATTGTCTATCATGAA[C>T]TTGTACAGCCATCAGGTACCGTGGAGAAGCACAGTCCTTAATAACTACTTTAAGGGAAGC-3'
Protein context (NP_003374.3, residues 687-707): DAQDIIVYHE[Leu697Phe]VQPSGKNWCE

ClinVar aggregate classification (germline): Uncertain significance (1 of 4 stars; one submission).

Conditions:
Cerebellar ataxia, impaired intellectual development, and dysequilibrium syndrome 1. Also called: VLDLR Cerebellar Hypoplasia; Cerebellar ataxia, intellectual disability, and dysequilibrium syndrome 1; CEREBELLAR ATAXIA AND MENTAL RETARDATION WITH OR WITHOUT QUADRUPEDAL LOCOMOTION 1; CEREBELLAR ATAXIA, CONGENITAL, AND MENTAL RETARDATION, AUTOSOMAL RECESSIVE; Cerebellar hypoplasia and mental retardation with or without quadrupedal locomotion 1; Cerebellar ataxia, mental retardation, and dysequilibrium syndrome 1. Identifiers: Orphanet 1766, MedGen C4551552, MONDO:0024542, OMIM 224050.

Allele frequency attached by ClinVar (database versions not stated): TOPMed below 0.00001.

Submission:

Baylor Genetics
Classification: Uncertain significance for Cerebellar ataxia, impaired intellectual development, and dysequilibrium syndrome 1. Last evaluated: 2018-06-21. Review status: criteria provided, single submitter. Criteria: ACMG Guidelines, 2015. Collection method: clinical testing. Allele origin: unknown. Affected: yes.
Comment: This variant was determined to be of uncertain significance according to ACMG Guidelines, 2015 [PMID:25741868].